The following is an entry in ClinVar:

ClinVar aggregate classification (germline): Uncertain significance (1 of 4 stars; one submission).

gnomAD v4.1: 93 of 1,613,122 alleles (0.0058%); highest among the groups gnomAD compares: Non-Finnish European, 0.0071%; no homozygotes.

Submission:

Labcorp Genetics (formerly Invitae), Labcorp
Classification: Uncertain significance. Last evaluated: 2024-03-29. Review status: criteria provided, single submitter. Criteria: Invitae Variant Classification Sherloc (09022015). Collection method: clinical testing. Allele origin: germline.
Comment: This sequence change replaces isoleucine, which is neutral and non-polar, with methionine, which is neutral and non-polar, at codon 1599 of the SORL1 protein (p.Ile1599Met). This variant is present in population databases (no rsID available, gnomAD 0.0009%). This variant has not been reported in the literature in individuals affected with SORL1-related conditions. Algorithms developed to predict the effect of missense changes on protein structure and function output the following: SIFT: "Not Available"; PolyPhen-2: "Benign"; Align-GVGD: "Not Available". The methionine amino acid residue is found in multiple mammalian species, which suggests that this missense change does not adversely affect protein function. In summary, the available evidence is currently insufficient to determine the role of this variant in disease. Therefore, it has been classified as a Variant of Uncertain Significance.

NM_003105.6(SORL1):c.4797A>G (p.Ile1599Met)

Gene: SORL1 (sortilin related receptor 1; plus strand). Cytogenetic location: 11q24.1.
Variant type: single nucleotide variant.
Coding change: c.4797A>G on transcript NM_003105.6 (MANE Select); coding-DNA position 4797, A replaced by G.
Protein change: p.Ile1599Met; replaces isoleucine 1599 with methionine.
Molecular consequence: missense variant.
Genome position (GRCh38, 1-based): chr11:121,605,420, A>G. VCF-style: chr11-121605420-A-G. GRCh37 (hg19) VCF-style: chr11-121476129-A-G.
Other names: short protein forms I1599M.
Identifiers: ClinVar variation 3614507 (VCV003614507.2).